The following is an entry in ClinVar:

NM_015213.4(DENND5A):c.1649A>G (p.Glu550Gly)

Gene: DENND5A (DENN domain containing 5A; minus strand). Cytogenetic location: 11p15.4.
Variant type: single nucleotide variant.
Coding change: c.1649A>G on transcript NM_015213.4 (MANE Select); coding-DNA position 1649, A replaced by G.
Protein change: p.Glu550Gly; replaces glutamic acid 550 with glycine.
Molecular consequence: missense variant. On other transcripts: non-coding transcript variant (1).
Genome position (GRCh38, 1-based): chr11:9,178,880, T>C on the plus strand (A>G on the coding strand, the complement: DENND5A is on the minus strand). VCF-style: chr11-9178880-T-C. GRCh37 (hg19) VCF-style: chr11-9200427-T-C.
Other names: c.1649A>G, p.Glu550Gly (NM_001243254.2); c.1577A>G, p.Glu526Gly (NM_001348749.2); c.1361A>G, p.Glu454Gly (NM_001348750.2); short protein forms E454G, E526G, E550G.
Identifiers: ClinVar variation 3365495 (VCV003365495.1).
Genomic context (GRCh38, chr11:9,178,880, plus strand): 5'-CTCATTCCTCACCACCTCCCAAGCAGGATTACACTCACTTTATCAAAGTTTTGCATTTGC[T>C]CCCTGTTGGTAAACCAGGATTCCTTATCCTGGCTGGGTTGGATGACAAACACCTCATAAT-3'
Protein context (NP_056028.2, residues 540-560): QDKESWFTNR[Glu550Gly]QMQNFDKASF

ClinVar aggregate classification (germline): Uncertain significance (1 of 4 stars; one submission).

Submission:

GeneDx
Classification: Uncertain significance. Last evaluated: 2023-12-13. Review status: criteria provided, single submitter. Criteria: GeneDx Variant Classification Process June 2021. Collection method: clinical testing. Allele origin: germline. Affected: yes.
Comment: Not observed at significant frequency in large population cohorts (gnomAD); In silico analysis supports that this missense variant has a deleterious effect on protein structure/function; Has not been previously published as pathogenic or benign to our knowledge